The following is an entry in ClinVar:

NM_001353345.2(SETD1B):c.3635A>G (p.Asp1212Gly)

Gene: SETD1B (SET domain containing 1B, histone lysine methyltransferase; plus strand). Cytogenetic location: 12q24.31.
Variant type: single nucleotide variant.
Coding change: c.3635A>G on transcript NM_001353345.2 (MANE Select); coding-DNA position 3635, A replaced by G.
Protein change: p.Asp1212Gly; replaces aspartic acid 1212 with glycine.
Molecular consequence: missense variant.
Genome position (GRCh38, 1-based): chr12:121,819,620, A>G. VCF-style: chr12-121819620-A-G. GRCh37 (hg19) VCF-style: chr12-122257526-A-G.
Other names: short protein forms D1212G.
Identifiers: ClinVar variation 1711356 (VCV001711356.31), dbSNP rs1414382014, ClinGen allele CA386997345.
Genomic context (GRCh38, chr12:121,819,620, plus strand): 5'-AGGAGGAGATGGTGGCCGAGGAAAGCATGGCTTCTGCAGGCCCTGAGGACTTTGAGCAGG[A>G]CGGGGAGGAAGCGGCTCTGGCCCCGGGGGCACCTGCAGTGGACTCGTTGGGCATGGAAGA-3'
Protein context (NP_001340274.1, residues 1202-1222): ASAGPEDFEQ[Asp1212Gly]GEEAALAPGA

ClinVar aggregate classification (germline): Conflicting classifications of pathogenicity. Review status: criteria provided, conflicting classifications (1 of 4 stars). 2 submissions from 2 submitters: Uncertain significance (1); Likely benign (1). Last evaluated 2022-08-01.

Allele frequency attached by ClinVar (database versions not stated): gnomAD 0.00001; gnomAD exomes 0.00001; TOPMed 0.00001.
gnomAD v4.1: 17 of 1,551,848 alleles (0.0011%); highest among the groups gnomAD compares: Middle Eastern, 0.18%; no homozygotes.

Submissions (2):

CeGaT Center for Human Genetics Tuebingen
Classification: Uncertain significance. Last evaluated: 2022-08-01. Review status: criteria provided, single submitter. Criteria: CeGaT Center For Human Genetics Tuebingen Variant Classification Criteria Version 2. Collection method: clinical testing. Allele origin: germline. Affected: yes. Observed: 1 variant allele.
Comment: SETD1B: PM2, PP2, BP4

Blueprint Genetics
Classification: Likely benign. Last evaluated: 2021-10-27. Review status: criteria provided, single submitter. Criteria: ACMG Guidelines, 2015. Collection method: clinical testing. Allele origin: germline.